The following is an entry in ClinVar:

NM_000397.4(CYBB):c.1060C>T (p.His354Tyr)

Gene: CYBB (cytochrome b-245 beta chain; plus strand). Cytogenetic location: Xp11.4.
Variant type: single nucleotide variant.
Coding change: c.1060C>T on transcript NM_000397.4 (MANE Select); coding-DNA position 1060, C replaced by T.
Protein change: p.His354Tyr; replaces histidine 354 with tyrosine.
Molecular consequence: missense variant.
Genome position (GRCh38, 1-based): chrX:37,804,039, C>T. VCF-style: chrX-37804039-C-T. GRCh37 (hg19) VCF-style: chrX-37663292-C-T.
Other names: short protein forms H354Y.
Identifiers: ClinVar variation 2444264 (VCV002444264.4), dbSNP rs2519208748, ClinGen allele CA412977380.
Genomic context (GRCh38, chrX:37,804,039, plus strand): 5'-AAGCTGGAGTGGCACCCTTTTACACTGACATCCGCCCCTGAGGAAGACTTCTTTAGTATC[C>T]ATATCCGCATCGTTGGGGACTGGACAGAGGGGCTGTTCAATGCTTGTGGCTGTGATAAGC-3'
Protein context (NP_000388.2, residues 344-364): SAPEEDFFSI[His354Tyr]IRIVGDWTEG

ClinVar aggregate classification (germline): Uncertain significance. Review status: criteria provided, multiple submitters, no conflicts (2 of 4 stars). 2 submissions from 2 submitters: Uncertain significance (2). Last evaluated 2023-10-04.

Conditions:
Granulomatous disease, chronic, X-linked. Also called: CYTOCHROME b-NEGATIVE GRANULOMATOUS DISEASE, CHRONIC, X-LINKED; GRANULOMATOUS DISEASE, CHRONIC, X-LINKED, SOMATIC MOSAIC. Identifiers: Orphanet 379, MedGen C1844376, MONDO:0010600, OMIM 306400.

Submissions (2):

Labcorp Genetics (formerly Invitae), Labcorp
Classification: Uncertain significance for Granulomatous disease, chronic, X-linked. Last evaluated: 2023-10-04. Review status: criteria provided, single submitter. Criteria: Invitae Variant Classification Sherloc (09022015). Collection method: clinical testing. Allele origin: germline.
Comment: This sequence change replaces histidine, which is basic and polar, with tyrosine, which is neutral and polar, at codon 354 of the CYBB protein (p.His354Tyr). This variant is not present in population databases (gnomAD no frequency). This variant has not been reported in the literature in individuals affected with CYBB-related conditions. ClinVar contains an entry for this variant (Variation ID: 2444264). Advanced modeling of protein sequence and biophysical properties (such as structural, functional, and spatial information, amino acid conservation, physicochemical variation, residue mobility, and thermodynamic stability) performed at Invitae indicates that this missense variant is expected to disrupt CYBB protein function. This variant disrupts the p.His354 amino acid residue in CYBB. Other variant(s) that disrupt this residue have been observed in individuals with CYBB-related conditions (PMID: 10089913, 20729109), which suggests that this may be a clinically significant amino acid residue. In summary, the available evidence is currently insufficient to determine the role of this variant in disease. Therefore, it has been classified as a Variant of Uncertain Significance.

3billion
Classification: Uncertain significance for Granulomatous disease, chronic, X-linked. Last evaluated: 2023-02-23. Review status: criteria provided, single submitter. Criteria: ACMG Guidelines, 2015. Collection method: clinical testing. Allele origin: unknown. Affected: yes.
Comment: The variant is not observed in the gnomAD v2.1.1 dataset. In silico tool predictions suggest damaging effect of the variant on gene or gene product (REVEL: 0.94; 3Cnet: 0.89). Different missense changes at the same codon (p.His354Arg, p.His354Pro) have been reported to be associated with CYBB related disorder (PMID: 10089913, 20729109). However, the evidence of pathogenicity is insufficient at this time. Therefore, this variant is classified as VUS according to the recommendation of ACMG/AMP guideline.

Literature cited by the submitters: PubMed 10089913 (cited by Labcorp Genetics (formerly Invitae), Labcorp and 3billion); PubMed 20729109 (cited by Labcorp Genetics (formerly Invitae), Labcorp and 3billion).